The following is an entry in ClinVar:

NM_001164508.2(NEB):c.21196C>A (p.Leu7066Ile)

Gene: NEB (nebulin; minus strand). Cytogenetic location: 2q23.3.
Variant type: single nucleotide variant.
Coding change: c.21196C>A on transcript NM_001164508.2 (MANE Select); coding-DNA position 21196, C replaced by A.
Protein change: p.Leu7066Ile; replaces leucine 7066 with isoleucine.
Molecular consequence: missense variant.
Genome position (GRCh38, 1-based): chr2:151,537,143, G>T on the plus strand (C>A on the coding strand, the complement: NEB is on the minus strand). VCF-style: chr2-151537143-G-T. GRCh37 (hg19) VCF-style: chr2-152393657-G-T.
Other names: c.21196C>A, p.Leu7066Ile (NM_001164507.2, NM_001271208.2); c.16093C>A, p.Leu5365Ile (NM_004543.5); short protein forms L7066I, L5365I.
Identifiers: ClinVar variation 533978 (VCV000533978.9), dbSNP rs1428589113, ClinGen allele CA348774908.

ClinVar aggregate classification (germline): Uncertain significance. Review status: criteria provided, single submitter (1 of 4 stars). 2 submissions from 2 submitters: Uncertain significance (1). 1 of the submissions does not count toward it. Last evaluated 2022-09-13.

Conditions:
Nemaline myopathy 2 (NEM2). Also called: Nemaline myopathy 2, autosomal recessive. Identifiers: MedGen C1850569, MONDO:0009725, OMIM 256030.

Allele frequency attached by ClinVar (database versions not stated): TOPMed below 0.00001; gnomAD 0.00001.
gnomAD v4.1: 8 of 1,608,434 alleles (0.0005%); highest among the groups gnomAD compares: African/African-American, 0.0013%; no homozygotes.

Submissions (2):

Labcorp Genetics (formerly Invitae), Labcorp
Classification: Uncertain significance for Nemaline myopathy 2. Last evaluated: 2022-09-13. Review status: criteria provided, single submitter. Criteria: Invitae Variant Classification Sherloc (09022015). Collection method: clinical testing. Allele origin: germline.
Comment: This sequence change replaces leucine, which is neutral and non-polar, with isoleucine, which is neutral and non-polar, at codon 7066 of the NEB protein (p.Leu7066Ile). This variant is not present in population databases (gnomAD no frequency). This variant has not been reported in the literature in individuals affected with NEB-related conditions. ClinVar contains an entry for this variant (Variation ID: 533978). Algorithms developed to predict the effect of missense changes on protein structure and function are either unavailable or do not agree on the potential impact of this missense change (SIFT: "Deleterious"; PolyPhen-2: "Not Available"; Align-GVGD: "Class C0"). In summary, the available evidence is currently insufficient to determine the role of this variant in disease. Therefore, it has been classified as a Variant of Uncertain Significance.

Natera, Inc.
Classification: Uncertain significance for Nemaline myopathy type 2. Last evaluated: 2020-09-16. Review status: no assertion criteria provided. Collection method: clinical testing. Allele origin: germline. Not counted in ClinVar's aggregate classification.